The following is an entry in ClinVar:

ClinVar aggregate classification (germline): Likely benign (1 of 4 stars; one submission).

Allele frequency attached by ClinVar (database versions not stated): gnomAD exomes 0.00010; gnomAD 0.00025; 1000 Genomes Project 0.00060.

Submission:

CeGaT Center for Human Genetics Tuebingen
Classification: Likely benign. Last evaluated: 2022-12-01. Review status: criteria provided, single submitter. Criteria: CeGaT Center For Human Genetics Tuebingen Variant Classification Criteria Version 2. Collection method: clinical testing. Allele origin: germline. Affected: yes. Observed: 1 variant allele.
Comment: OBP2B: BS2

NC_000009.12:g.133190461G>T

Gene: OBP2B (odorant binding protein 2B; minus strand). Cytogenetic location: 9q34.2.
Variant type: single nucleotide variant.
Genome position: GRCh38 VCF-style: chr9-133190461-G-T. GRCh37 (hg19) VCF-style: chr9-136065848-G-T.
Identifiers: ClinVar variation 2659691 (VCV002659691.24), dbSNP rs540803496, ClinGen allele CA200758908.